The following is an entry in ClinVar:

NM_031407.7(HUWE1):c.11401G>T (p.Ala3801Ser)

Gene: HUWE1 (HECT, UBA and WWE domain containing E3 ubiquitin protein ligase 1; minus strand). Cytogenetic location: Xp11.22.
Variant type: single nucleotide variant.
Coding change: c.11401G>T on transcript NM_031407.7 (MANE Select); coding-DNA position 11401, G replaced by T.
Protein change: p.Ala3801Ser; replaces alanine 3801 with serine.
Molecular consequence: missense variant.
Genome position (GRCh38, 1-based): chrX:53,542,518, C>A on the plus strand (G>T on the coding strand, the complement: HUWE1 is on the minus strand). VCF-style: chrX-53542518-C-A. GRCh37 (hg19) VCF-style: chrX-53569479-C-A.
Other names: short protein forms A3801S.
Identifiers: ClinVar variation 2660614 (VCV002660614.24), dbSNP rs2522688276, ClinGen allele CA413163348.

ClinVar aggregate classification (germline): Uncertain significance (1 of 4 stars; one submission).

Submission:

CeGaT Center for Human Genetics Tuebingen
Classification: Uncertain significance. Last evaluated: 2022-11-01. Review status: criteria provided, single submitter. Criteria: CeGaT Center For Human Genetics Tuebingen Variant Classification Criteria Version 2. Collection method: clinical testing. Allele origin: germline. Affected: yes. Observed: 1 variant allele.
Comment: HUWE1: PM2, PP2, BP4